The following is an entry in ClinVar:

ClinVar aggregate classification (germline): Uncertain significance (1 of 4 stars; one submission).

Conditions:
IRF6-related condition. Also called: IRF6-Related Disorders; IRF6-related disorder. Identifiers: MedGen CN378148, MONDO:1040010.

Submission:

PreventionGenetics, part of Exact Sciences
Classification: Uncertain significance for IRF6-related condition. Last evaluated: 2025-04-09. Review status: criteria provided, single submitter. Criteria: ACMG Guidelines, 2015. Collection method: clinical testing. Allele origin: germline.
Comment: The IRF6 c.110A>C variant is predicted to result in the amino acid substitution p.Gln37Pro. To our knowledge, this variant has not been reported in the literature or in a large population database (gnomAD), indicating this variant is rare. At this time, the clinical significance of this variant is uncertain due to the absence of conclusive functional and genetic evidence.

NM_006147.4(IRF6):c.110A>C (p.Gln37Pro)

Gene: IRF6 (interferon regulatory factor 6; minus strand). Cytogenetic location: 1q32.2.
Variant type: single nucleotide variant.
Coding change: c.110A>C on transcript NM_006147.4 (MANE Select); coding-DNA position 110, A replaced by C.
Protein change: p.Gln37Pro; replaces glutamine 37 with proline.
Molecular consequence: missense variant. On other transcripts: intron variant (1).
Genome position (GRCh38, 1-based): chr1:209,801,304, T>G on the plus strand (A>C on the coding strand, the complement: IRF6 is on the minus strand). VCF-style: chr1-209801304-T-G. GRCh37 (hg19) VCF-style: chr1-209974649-T-G.
Other names: c.-112+4643A>C (NM_001206696.2); short protein forms Q37P.
Identifiers: ClinVar variation 4998471 (VCV004998471.1).